The following is an entry in ClinVar:

NM_001080421.3(UNC13A):c.4305G>A (p.Glu1435=)

Gene: UNC13A (unc-13 homolog A; minus strand). Cytogenetic location: 19p13.11.
Variant type: single nucleotide variant.
Coding change: c.4305G>A on transcript NM_001080421.3 (MANE Select); coding-DNA position 4305, G replaced by A.
Protein change: p.Glu1435=; no amino-acid change (glutamic acid 1435 retained).
Molecular consequence: synonymous variant.
Genome position (GRCh38, 1-based): chr19:17,618,930, C>T on the plus strand (G>A on the coding strand, the complement: UNC13A is on the minus strand). VCF-style: chr19-17618930-C-T. GRCh37 (hg19) VCF-style: chr19-17729739-C-T.
Other names: c.4293G>A, p.Glu1431= (NM_001387021.1); c.4290G>A, p.Glu1430= (NM_001387022.1); c.4224G>A, p.Glu1408= (NM_001387023.1).
Identifiers: ClinVar variation 728245 (VCV000728245.9), dbSNP rs191793337, ClinGen allele CA9297713.
Genomic context (GRCh38, chr19:17,618,930, plus strand): 5'-CAGTCCCTCACGCCATAATCTATCCCCACTCCTCACCTTGAGTTTGGACAGCTGACCCAG[C>T]TCCTTGGCTGCATTGAAGATCATCTGGGTTCCCTGCAGGTAACAACATACAGCTGGGTGA-3'
Protein context (NP_001073890.2, residues 1425-1445): GTQMIFNAAK[Glu1435=]LGQLSKLKDH

ClinVar aggregate classification (germline): Benign/Likely benign. Review status: criteria provided, multiple submitters, no conflicts (2 of 4 stars). 4 submissions from 4 submitters: Benign (2); Likely benign (1). 1 of the submissions does not count toward it. Last evaluated 2026-07-01.

Conditions:
UNC13A-related disorder. Also called: UNC13A-related condition.

Allele frequency attached by ClinVar (database versions not stated): gnomAD exomes 0.00037 and 0.00066; ExAC 0.00082; 1000 Genomes Project 30x 0.00187; gnomAD 0.00204 and 0.00219; 1000 Genomes Project 0.00220; TOPMed 0.00232; ESP Exome Variant Server 0.00253.
gnomAD v4.1: 883 of 1,614,030 alleles (0.055%); highest among the groups gnomAD compares: African/African-American, 0.66%; 6 homozygotes.

Submissions (4):

CeGaT Center for Human Genetics Tuebingen
Classification: Likely benign. Last evaluated: 2026-07-01. Review status: criteria provided, single submitter. Criteria: CeGaT Center For Human Genetics Tuebingen Variant Classification Criteria Version 2. Collection method: clinical testing. Allele origin: germline. Affected: yes. Observed: 2 variant alleles.
Comment: UNC13A: BP4, BP7

Labcorp Genetics (formerly Invitae), Labcorp
Classification: Benign. Last evaluated: 2019-12-31. Review status: criteria provided, single submitter. Criteria: Invitae Variant Classification Sherloc (09022015). Collection method: clinical testing. Allele origin: germline.

Breakthrough Genomics
Classification: Benign. Review status: criteria provided, single submitter. Criteria: ACMG Guidelines, 2015. Collection method: not provided. Allele origin: germline. Inheritance: Unknown mechanism. Affected: yes.

PreventionGenetics, part of Exact Sciences
Classification: Likely benign for UNC13A-related condition. Last evaluated: 2019-02-27. Review status: no assertion criteria provided. Collection method: clinical testing. Allele origin: germline. Not counted in ClinVar's aggregate classification.
Comment: This variant is classified as likely benign based on ACMG/AMP sequence variant interpretation guidelines (Richards et al. 2015 PMID: 25741868, with internal and published modifications).